The following is an entry in ClinVar:

ClinVar aggregate classification (germline): Pathogenic/Likely pathogenic. Review status: criteria provided, multiple submitters, no conflicts (2 of 4 stars). 2 submissions from 2 submitters: Pathogenic (1); Likely pathogenic (1). Last evaluated 2026-04-14.

Conditions:
Benign recurrent intrahepatic cholestasis type 1. Also called: SUMMERSKILL SYNDROME; Mild-to-Moderate ATP8B1 Deficiency (Benign Recurrent Intrahepatic Cholestasis 1 [BRIC1]). Identifiers: Orphanet 65682, Orphanet 99960, MedGen C4551899, MONDO:0009469, OMIM 243300.
Familial intrahepatic cholestasis. Identifiers: Orphanet 284385, MedGen CN296401, MONDO:0017290.

Allele frequency attached by ClinVar (database versions not stated): TOPMed below 0.00001; gnomAD exomes 0.00001.
gnomAD v4.1: 8 of 1,613,736 alleles (0.0005%); highest among the groups gnomAD compares: East Asian, 0.0022%; no homozygotes.

Submissions (2):

Genomenon, Inc
Classification: Likely pathogenic for Familial intrahepatic cholestasis. Last evaluated: 2026-04-14. Review status: criteria provided, single submitter. Criteria: Genomenon Sequence Variant Interpretation Standards - Updated. Collection method: curation. Allele origin: germline. Affected: yes.
Comment: ATP8B1 p.Glu981Lys (c.2941G>A) is a missense variant that changes the amino acid at residue 981 from Glutamic acid to Lysine. This variant has been observed in at least one proband with features of ATP8B1-deficiency (PMID:29973134;24342334;21342337). It has been observed in trans with a pathogenic or likely pathogenic variant (PMID:21342337). At least one functional study has demonstrated a substantial alteration in protein function relative to the wild-type (PMID:29104077). At least one splicing study demonstrated no effect on splicing (PMID:33437900). It is absent or not present at a significant frequency in gnomAD. In conclusion, we classify ATP8B1 p.Glu981Lys (c.2941G>A) as a likely pathogenic variant.

Baylor Genetics
Classification: Pathogenic for Benign recurrent intrahepatic cholestasis type 1. Last evaluated: 2023-09-07. Review status: criteria provided, single submitter. Criteria: ACMG Guidelines, 2015. Collection method: clinical testing. Allele origin: unknown.

Literature cited by the submitters: PubMed 29973134 (cited by Genomenon, Inc); PubMed 24342334 (cited by Genomenon, Inc); PubMed 21342337 (cited by Genomenon, Inc); PubMed 29104077 (cited by Genomenon, Inc); PubMed 33437900 (cited by Genomenon, Inc).

NM_001374385.1(ATP8B1):c.2941G>A (p.Glu981Lys)

Genes: ATP8B1 (ATPase phospholipid transporting 8B1; minus strand), ATP8B1-AS1 (ATP8B1 antisense RNA 1; plus strand). Cytogenetic location: 18q21.31.
Variant type: single nucleotide variant.
Coding change: c.2941G>A on transcript NM_001374385.1 (MANE Select); coding-DNA position 2941, G replaced by A.
Protein change: p.Glu981Lys; replaces glutamic acid 981 with lysine.
Molecular consequence: missense variant.
Genome position (GRCh38, 1-based): chr18:57,654,066, C>T on the plus strand (G>A on the coding strand, the complement: ATP8B1 is on the minus strand). VCF-style: chr18-57654066-C-T. GRCh37 (hg19) VCF-style: chr18-55321298-C-T.
Other names: c.2791G>A, p.Glu931Lys (NM_001374386.1); c.2941G>A, p.Glu981Lys (NM_005603.6); short protein forms E931K, E981K.
Identifiers: ClinVar variation 2679846 (VCV002679846.2), dbSNP rs1909823551, ClinGen allele CA402545380.